The following is an entry in ClinVar:

NM_001558.4(IL10RA):c.517A>G (p.Lys173Glu)

Gene: IL10RA (interleukin 10 receptor subunit alpha; plus strand). Cytogenetic location: 11q23.3.
Variant type: single nucleotide variant.
Coding change: c.517A>G on transcript NM_001558.4 (MANE Select); coding-DNA position 517, A replaced by G.
Protein change: p.Lys173Glu; replaces lysine 173 with glutamic acid.
Molecular consequence: missense variant. On other transcripts: non-coding transcript variant (1).
Genome position (GRCh38, 1-based): chr11:117,993,390, A>G. VCF-style: chr11-117993390-A-G. GRCh37 (hg19) VCF-style: chr11-117864105-A-G.
Other names: short protein forms K173E.
Identifiers: ClinVar variation 1486092 (VCV001486092.5), dbSNP rs1213366682, ClinGen allele CA382774888.

ClinVar aggregate classification (germline): Uncertain significance (1 of 4 stars; one submission).

Conditions:
Inflammatory bowel disease 28. Also called: Inflammatory bowel disease 28, early onset, autosomal recessive. Identifiers: Orphanet 238569, MedGen C2751053, MONDO:0013153, OMIM 613148.

Allele frequency attached by ClinVar (database versions not stated): TOPMed below 0.00001; gnomAD 0.00001; gnomAD exomes 0.00001.
gnomAD v4.1: 7 of 1,614,096 alleles (0.00043%); highest among the groups gnomAD compares: South Asian, 0.0055%; no homozygotes.

Submission:

Labcorp Genetics (formerly Invitae), Labcorp
Classification: Uncertain significance for Inflammatory bowel disease 28. Last evaluated: 2021-09-01. Review status: criteria provided, single submitter. Criteria: Invitae Variant Classification Sherloc (09022015). Collection method: clinical testing. Allele origin: germline.
Comment: This sequence change replaces lysine with glutamic acid at codon 173 of the IL10RA protein (p.Lys173Glu). The lysine residue is moderately conserved and there is a small physicochemical difference between lysine and glutamic acid. This variant is not present in population databases (ExAC no frequency). This variant has not been reported in the literature in individuals affected with IL10RA-related conditions. Algorithms developed to predict the effect of missense changes on protein structure and function are either unavailable or do not agree on the potential impact of this missense change (SIFT: "Deleterious"; PolyPhen-2: "Benign"; Align-GVGD: "Class C15"). In summary, the available evidence is currently insufficient to determine the role of this variant in disease. Therefore, it has been classified as a Variant of Uncertain Significance.